The following is an entry in ClinVar:

NM_020778.5(ALPK3):c.4500-1G>C

Gene: ALPK3 (alpha kinase 3; plus strand). Cytogenetic location: 15q25.3.
Variant type: single nucleotide variant.
Coding change: c.4500-1G>C on transcript NM_020778.5 (MANE Select); the canonical splice acceptor site of the intron before coding-DNA position 4500, G replaced by C.
Molecular consequence: splice acceptor variant.
Genome position (GRCh38, 1-based): chr15:84,864,441, G>C. VCF-style: chr15-84864441-G-C. GRCh37 (hg19) VCF-style: chr15-85407672-G-C.
Identifiers: ClinVar variation 2770548 (VCV002770548.3), dbSNP rs1596158382, ClinGen allele CA393364668.

ClinVar aggregate classification (germline): Likely pathogenic (1 of 4 stars; one submission).

Submission:

Labcorp Genetics (formerly Invitae), Labcorp
Classification: Likely pathogenic. Last evaluated: 2025-05-18. Review status: criteria provided, single submitter. Criteria: Invitae Variant Classification Sherloc (09022015). Collection method: clinical testing. Allele origin: germline.
Comment: This sequence change affects an acceptor splice site in intron 11 of the ALPK3 gene. It is expected to disrupt RNA splicing. Variants that disrupt the donor or acceptor splice site typically lead to a loss of protein function (PMID: 16199547), and loss-of-function variants in ALPK3 are known to be pathogenic (PMID: 21441111, 26846950, 27106955, 34263907). This variant is not present in population databases (gnomAD no frequency). This variant has not been reported in the literature in individuals affected with ALPK3-related conditions. ClinVar contains an entry for this variant (Variation ID: 2770548). Algorithms developed to predict the effect of sequence changes on RNA splicing suggest that this variant may disrupt the consensus splice site. In summary, the currently available evidence indicates that the variant is pathogenic, but additional data are needed to prove that conclusively. Therefore, this variant has been classified as Likely Pathogenic.

Literature cited by the submitters: PubMed 16199547; PubMed 21441111; PubMed 26846950; PubMed 27106955; PubMed 34263907.